The following is an entry in ClinVar:

ClinVar aggregate classification (germline): Uncertain significance. Review status: criteria provided, multiple submitters, no conflicts (2 of 4 stars). 3 submissions from 3 submitters: Uncertain significance (3). Last evaluated 2025-12-09.

Conditions:
Myofibrillar myopathy 6. Identifiers: Orphanet 199340, MedGen C2751831, MONDO:0013061, OMIM 612954.
Dilated cardiomyopathy 1HH (CMD1HH). Identifiers: Orphanet 154, MedGen C3151293, MONDO:0013479, OMIM 613881.
Cardiovascular phenotype. Identifiers: MedGen CN230736.

Allele frequency attached by ClinVar (database versions not stated): gnomAD exomes below 0.00001 and 0.00002; ExAC 0.00003; 1000 Genomes Project 30x 0.00016; 1000 Genomes Project 0.00020.
gnomAD v4.1: 5 of 1,614,122 alleles (0.00031%); highest among the groups gnomAD compares: South Asian, 0.0011%; no homozygotes.

Submissions (3):

Labcorp Genetics (formerly Invitae), Labcorp
Classification: Uncertain significance for Dilated cardiomyopathy 1HH; Myofibrillar myopathy 6. Last evaluated: 2025-12-09. Review status: criteria provided, single submitter. Criteria: Invitae Variant Classification Sherloc (09022015). Collection method: clinical testing. Allele origin: germline.
Comment: This sequence change replaces glutamic acid, which is acidic and polar, with valine, which is neutral and non-polar, at codon 345 of the BAG3 protein (p.Glu345Val). This variant is present in population databases (rs189646603, gnomAD 0.004%). This variant has not been reported in the literature in individuals affected with BAG3-related conditions. ClinVar contains an entry for this variant (Variation ID: 1004285). Invitae Evidence Modeling of protein sequence and biophysical properties (such as structural, functional, and spatial information, amino acid conservation, physicochemical variation, residue mobility, and thermodynamic stability) indicates that this missense variant is not expected to disrupt BAG3 protein function with a negative predictive value of 80%. In summary, the available evidence is currently insufficient to determine the role of this variant in disease. Therefore, it has been classified as a Variant of Uncertain Significance.

Ambry Genetics
Classification: Uncertain significance for Cardiovascular phenotype. Last evaluated: 2020-09-11. Review status: criteria provided, single submitter. Criteria: Ambry Variant Classification Scheme 2023. Collection method: clinical testing. Allele origin: germline.
Comment: The p.E345V variant (also known as c.1034A>T), located in coding exon 4 of the BAG3 gene, results from an A to T substitution at nucleotide position 1034. The glutamic acid at codon 345 is replaced by valine, an amino acid with dissimilar properties. This amino acid position is well conserved in available vertebrate species. In addition, the in silico prediction for this alteration is inconclusive. Since supporting evidence is limited at this time, the clinical significance of this alteration remains unclear.

Breakthrough Genomics
Classification: Uncertain significance. Review status: criteria provided, single submitter. Criteria: ACMG Guidelines, 2015. Collection method: not provided. Allele origin: germline. Inheritance: Autosomal dominant inheritance. Affected: yes.

NM_004281.4(BAG3):c.1034A>T (p.Glu345Val)

Gene: BAG3 (BAG cochaperone 3; plus strand). Cytogenetic location: 10q26.11.
Variant type: single nucleotide variant.
Coding change: c.1034A>T on transcript NM_004281.4 (MANE Select); coding-DNA position 1034, A replaced by T.
Protein change: p.Glu345Val; replaces glutamic acid 345 with valine.
Molecular consequence: missense variant.
Genome position (GRCh38, 1-based): chr10:119,676,588, A>T. VCF-style: chr10-119676588-A-T. GRCh37 (hg19) VCF-style: chr10-121436100-A-T.
Other names: short protein forms E345V.
Identifiers: ClinVar variation 1004285 (VCV001004285.9), dbSNP rs189646603, ClinGen allele CA5716470.
Genomic context (GRCh38, chr10:119,676,588, plus strand): 5'-CAGGCCCAGTTGGACCAGAACTCCCTCCTGGACACATCCCAATTCAAGTGATCCGCAAAG[A>T]GGTGGATTCTAAACCTGTTTCCCAGAAGCCCCCACCTCCCTCTGAGAAGGTAGAGGTGAA-3'
Protein context (NP_004272.2, residues 335-355): GHIPIQVIRK[Glu345Val]VDSKPVSQKP